The following is an entry in ClinVar:

ClinVar aggregate classification (germline): Pathogenic. Review status: criteria provided, multiple submitters, no conflicts (2 of 4 stars). 5 submissions from 5 submitters: Pathogenic (5). Last evaluated 2025-12-08.

Conditions:
Hereditary spastic paraplegia 4. Also called: Spastic Paraplegia 4; Familial spastic paraplegia autosomal dominant 2; Spastic paraplegia 4, autosomal dominant. Identifiers: Orphanet 100985, MedGen C1866855, MONDO:0008438, OMIM 182601.

Submissions (5):

Labcorp Genetics (formerly Invitae), Labcorp
Classification: Pathogenic for Hereditary spastic paraplegia 4. Last evaluated: 2025-12-08. Review status: criteria provided, single submitter. Criteria: Invitae Variant Classification Sherloc (09022015). Collection method: clinical testing. Allele origin: germline.
Comment: This sequence change creates a premature translational stop signal (p.Gln280*) in the SPAST gene. It is expected to result in an absent or disrupted protein product. Loss-of-function variants in SPAST are known to be pathogenic (PMID: 20932283). This variant is not present in population databases (gnomAD no frequency). This premature translational stop signal has been observed in individual(s) with hereditary spastic paraplegia (PMID: 24451228). Invitae Evidence Modeling of clinical and family history, age, sex, and reported ancestry of multiple individuals with this SPAST variant has been performed. This variant is expected to be pathogenic with a positive predictive value of at least 99%. This is a validated machine learning model that incorporates the clinical features of 4,195 individuals referred to our laboratory for SPAST testing. ClinVar contains an entry for this variant (Variation ID: 448456). Algorithms developed to predict the effect of sequence changes on RNA splicing suggest that this variant may disrupt the consensus splice site. For these reasons, this variant has been classified as Pathogenic.

Victorian Clinical Genetics Services, Murdoch Childrens Research Institute
Classification: Pathogenic for Hereditary spastic paraplegia 4. Last evaluated: 2025-11-26. Review status: criteria provided, single submitter. Criteria: ACMG Guidelines, 2015. Collection method: clinical testing. Allele origin: germline. Affected: yes.
Comment: This variant is classified as Pathogenic. Evidence in support of pathogenic classification: Variant is predicted to cause nonsense-mediated decay (NMD) and loss of protein (premature termination codon is located at least 54 nucleotides upstream of the final exon-exon junction); Variant is absent from gnomAD (v2, v3 and v4); This variant has moderate previous evidence of pathogenicity in unrelated individuals. This variant has been classified as pathogenic by multiple clinical laboratories in ClinVar; Other NMD-predicted variants comparable to the one identified in this case have very strong previous evidence for pathogenicity (DECIPHER). Additional information: This variant is heterozygous; This gene is associated with both recessive and dominant disease. Spastic paraplegia 4, autosomal dominant (MIM#182601) is inherited in a dominant manner whilst cerebral palsy (MONDO:0006497), SPAST-related is associated with biallelic disease (PMIDs: 38693247, 41000004); Dominant negative and loss of function are known mechanisms of disease in this gene and are associated with spastic paraplegia 4 (MIM#182601). Multiple loss of function variants have been reported, while a dominant negative mechanism has been stipulated for a small number of missense variants (ClinVar; PMID: 30006150); The condition associated with this gene has incomplete penetrance, but this is age-dependent and only a small proportion of individuals remain asymptomatic (PMID: 30476002); Variants in this gene are known to have variable expressivity, with variable age of onset and disease severity (PMID: 30476002).

Mendelics
Classification: Pathogenic for Hereditary spastic paraplegia 4. Last evaluated: 2019-05-28. Review status: criteria provided, single submitter. Criteria: Mendelics Assertion Criteria 2017. Collection method: clinical testing. Allele origin: unknown.

Athena Diagnostics
Classification: Pathogenic. Last evaluated: 2015-06-04. Review status: criteria provided, single submitter. Criteria: Athena Diagnostics Criteria. Collection method: clinical testing. Allele origin: germline.

Paris Brain Institute, Inserm - ICM
Classification: Pathogenic for Hereditary spastic paraplegia 4. Review status: criteria provided, single submitter. Criteria: ACMG Guidelines, 2015. Collection method: clinical testing. Allele origin: unknown. Affected: yes. Observed: 1 variant allele.

Literature cited by the submitters: PubMed 20932283 (cited by Labcorp Genetics (formerly Invitae), Labcorp); PubMed 24451228 (cited by Labcorp Genetics (formerly Invitae), Labcorp and Athena Diagnostics); PubMed 30006150 (cited by Victorian Clinical Genetics Services, Murdoch Childrens Research Institute); PubMed 38693247 (cited by Victorian Clinical Genetics Services, Murdoch Childrens Research Institute); PubMed 30476002 (cited by Victorian Clinical Genetics Services, Murdoch Childrens Research Institute); PubMed 41000004 (cited by Victorian Clinical Genetics Services, Murdoch Childrens Research Institute).

NM_014946.4(SPAST):c.838C>T (p.Gln280Ter)

Gene: SPAST (spastin; plus strand). Cytogenetic location: 2p22.3.
Variant type: single nucleotide variant.
Coding change: c.838C>T on transcript NM_014946.4 (MANE Select); coding-DNA position 838, C replaced by T.
Protein change: p.Gln280Ter; replaces glutamine 280 with a stop codon.
Molecular consequence: nonsense.
Genome position (GRCh38, 1-based): chr2:32,114,793, C>T. VCF-style: chr2-32114793-C-T. GRCh37 (hg19) VCF-style: chr2-32339862-C-T.
Other names: c.835C>T, p.Gln279Ter (NM_001363823.2); c.739C>T, p.Gln247Ter (NM_001363875.2); c.742C>T, p.Gln248Ter (NM_001377959.1, NM_199436.2); short protein forms Q280*, Q247*, Q279*, Q248*.
Identifiers: ClinVar variation 448456 (VCV000448456.13), dbSNP rs1553314948, ClinGen allele CA346498808.
Genomic context (GRCh38, chr2:32,114,793, plus strand): 5'-CTTTCAGGCCACCATAGAGCACCTAGTTACAGTGGTTTATCCATGGTTTCTGGAGTGAAA[C>T]AGGGATCTGGTCCTGCTCCTACCACTCATAAGGTATTCTGGGACAGTAACTTTAATTGCT-3'